The following is an entry in ClinVar:

ClinVar aggregate classification (germline): Uncertain significance (1 of 4 stars; one submission).

Allele frequency attached by ClinVar (database versions not stated): ExAC 0.00002; gnomAD 0.00002; gnomAD exomes 0.00002; TOPMed 0.00005; 1000 Genomes Project 0.00020; 1000 Genomes Project 30x 0.00031.
gnomAD v4.1: 30 of 1,614,182 alleles (0.0019%); highest among the groups gnomAD compares: Admixed American, 0.02%; no homozygotes.

Submission:

Labcorp Genetics (formerly Invitae), Labcorp
Classification: Uncertain significance. Last evaluated: 2025-08-04. Review status: criteria provided, single submitter. Criteria: Invitae Variant Classification Sherloc (09022015). Collection method: clinical testing. Allele origin: germline.
Comment: This sequence change replaces threonine, which is neutral and polar, with methionine, which is neutral and non-polar, at codon 391 of the DSCAML1 protein (p.Thr391Met). This variant is present in population databases (rs575001357, gnomAD 0.03%). This variant has not been reported in the literature in individuals affected with DSCAML1-related conditions. ClinVar contains an entry for this variant (Variation ID: 1921708). An algorithm developed to predict the effect of missense changes on protein structure and function (PolyPhen-2) suggests that this variant is likely to be disruptive. In summary, the available evidence is currently insufficient to determine the role of this variant in disease. Therefore, it has been classified as a Variant of Uncertain Significance.

NM_020693.4(DSCAML1):c.992C>T (p.Thr331Met)

Gene: DSCAML1 (DS cell adhesion molecule like 1; minus strand). Cytogenetic location: 11q23.3.
Variant type: single nucleotide variant.
Coding change: c.992C>T on transcript NM_020693.4 (MANE Select); coding-DNA position 992, C replaced by T.
Protein change: p.Thr331Met; replaces threonine 331 with methionine.
Molecular consequence: missense variant.
Genome position (GRCh38, 1-based): chr11:117,521,351, G>A on the plus strand (C>T on the coding strand, the complement: DSCAML1 is on the minus strand). VCF-style: chr11-117521351-G-A. GRCh37 (hg19) VCF-style: chr11-117392066-G-A.
Other names: c.992C>T, p.Thr331Met (NM_001367904.1); c.584C>T, p.Thr195Met (NM_001367905.1); short protein forms T195M, T331M.
Identifiers: ClinVar variation 1921708 (VCV001921708.5), dbSNP rs575001357, ClinGen allele CA6297392.